The following is an entry in ClinVar:

ClinVar aggregate classification (germline): Benign/Likely benign. Review status: criteria provided, multiple submitters, no conflicts (2 of 4 stars). 3 submissions from 3 submitters: Benign (1); Likely benign (2). Last evaluated 2026-03-01.

Conditions:
Axenfeld-Rieger syndrome type 3 (RIEG3). Also called: AXENFELD-RIEGER ANOMALY WITH CARDIAC DEFECTS AND/OR SENSORINEURAL HEARING LOSS. Identifiers: Orphanet 782, MedGen C2678503, MONDO:0011233, OMIM 602482.

Allele frequency attached by ClinVar (database versions not stated): 1000 Genomes Project 0.00040; TOPMed 0.00059; gnomAD 0.00075 and 0.00077; ESP Exome Variant Server 0.00092; gnomAD exomes 0.00092 and 0.00106; ExAC 0.00108; 1000 Genomes Project 30x 0.00031.

Submissions (3):

CeGaT Center for Human Genetics Tuebingen
Classification: Likely benign. Last evaluated: 2026-03-01. Review status: criteria provided, single submitter. Criteria: CeGaT Center For Human Genetics Tuebingen Variant Classification Criteria Version 2. Collection method: clinical testing. Allele origin: germline. Affected: yes. Observed: 3 variant alleles.
Comment: FOXC1: BP4, BP7, BS1

Labcorp Genetics (formerly Invitae), Labcorp
Classification: Benign for Axenfeld-Rieger syndrome type 3. Last evaluated: 2026-01-27. Review status: criteria provided, single submitter. Criteria: Invitae Variant Classification Sherloc (09022015). Collection method: clinical testing. Allele origin: germline.

Blueprint Genetics
Classification: Likely benign. Last evaluated: 2024-11-26. Review status: criteria provided, single submitter. Criteria: ACMG Guidelines, 2015. Collection method: clinical testing. Allele origin: germline.

NM_001453.3(FOXC1):c.1650T>C (p.Cys550=)

Gene: FOXC1 (forkhead box C1; plus strand). Cytogenetic location: 6p25.3.
Variant type: single nucleotide variant.
Coding change: c.1650T>C on transcript NM_001453.3 (MANE Select); coding-DNA position 1650, T replaced by C.
Protein change: p.Cys550=; no amino-acid change (cysteine 550 retained).
Molecular consequence: synonymous variant.
Genome position (GRCh38, 1-based): chr6:1,612,095, T>C. VCF-style: chr6-1612095-T-C. GRCh37 (hg19) VCF-style: chr6-1612330-T-C.
Identifiers: ClinVar variation 706449 (VCV000706449.35), dbSNP rs147749489, ClinGen allele CA3614945.